The following is an entry in ClinVar:

ClinVar aggregate classification (germline): Uncertain significance (1 of 4 stars; one submission).

Conditions:
CHD7-related disorder. Also called: CHD7-related condition.

Submission:

PreventionGenetics, part of Exact Sciences
Classification: Uncertain significance for CHD7-related condition. Last evaluated: 2023-04-05. Review status: criteria provided, single submitter. Criteria: ACMG Guidelines, 2015. Collection method: clinical testing. Allele origin: germline.
Comment: The CHD7 c.8977A>C variant is predicted to result in the amino acid substitution p.Asn2993His. To our knowledge, this variant has not been reported in the literature or in a large population database, indicating this variant is rare. At this time, the clinical significance of this variant is uncertain due to the absence of conclusive functional and genetic evidence.

NM_017780.4(CHD7):c.8977A>C (p.Asn2993His)

Gene: CHD7 (chromodomain helicase DNA binding protein 7; plus strand). Cytogenetic location: 8q12.2.
Variant type: single nucleotide variant.
Coding change: c.8977A>C on transcript NM_017780.4 (MANE Select); coding-DNA position 8977, A replaced by C.
Protein change: p.Asn2993His; replaces asparagine 2993 with histidine.
Molecular consequence: missense variant.
Genome position (GRCh38, 1-based): chr8:60,865,916, A>C. VCF-style: chr8-60865916-A-C. GRCh37 (hg19) VCF-style: chr8-61778475-A-C.
Other names: c.2830A>C, p.Asn944His (NM_001316690.1); short protein forms N2993H, N944H.
Identifiers: ClinVar variation 2633839 (VCV002633839.1), dbSNP rs1194698970, ClinGen allele CA371313591.
Genomic context (GRCh38, chr8:60,865,916, plus strand): 5'-GACGAAATAGCACAGGGTGAAGAGCTAGACTCACTTGATGGGGGGGATGAAATAGAAAAC[A>C]ATGAAAATGATGAATAACCAGTACCAGTTCCAGTTCAAGTGTTTAAAACTTTTGACAAGT-3'
Protein context (NP_060250.2, residues 2983-2997): SLDGGDEIEN[Asn2993His]ENDE